The following is an entry in ClinVar:

ClinVar aggregate classification (germline): Pathogenic (1 of 4 stars; one submission).

Conditions:
Long QT syndrome (LQTS). Identifiers: MedGen C0023976, MeSH D008133, MONDO:0002442. Disease mechanism: loss of function. Inheritance: Various modes of inheritance.

Submission:

Labcorp Genetics (formerly Invitae), Labcorp
Classification: Pathogenic for Long QT syndrome. Last evaluated: 2025-06-16. Review status: criteria provided, single submitter. Criteria: Invitae Variant Classification Sherloc (09022015). Collection method: clinical testing. Allele origin: germline.
Comment: This sequence change creates a premature translational stop signal (p.Gln3076*) in the ANK2 gene. It is expected to result in an absent or disrupted protein product. Loss-of-function variants in ANK2 are known to be pathogenic (PMID: 37195288). This variant is not present in population databases (gnomAD no frequency). This variant has not been reported in the literature in individuals affected with ANK2-related conditions. For these reasons, this variant has been classified as Pathogenic.

Literature cited by the submitters: PubMed 37195288.

NM_001148.6(ANK2):c.9226C>T (p.Gln3076Ter)

Gene: ANK2 (ankyrin 2; plus strand). Cytogenetic location: 4q26.
Variant type: single nucleotide variant.
Coding change: c.9226C>T on transcript NM_001148.6 (MANE Select); coding-DNA position 9226, C replaced by T.
Protein change: p.Gln3076Ter; replaces glutamine 3076 with a stop codon.
Molecular consequence: nonsense. On other transcripts: intron variant (68).
Genome position (GRCh38, 1-based): chr4:113,357,844, C>T. VCF-style: chr4-113357844-C-T. GRCh37 (hg19) VCF-style: chr4-114279000-C-T.
Other names: c.8992C>T, p.Gln2998Ter (NM_001386142.1); c.5626C>T, p.Gln1876Ter (NM_001386166.1); c.9367C>T, p.Gln3123Ter (NM_001386174.1); c.9343C>T, p.Gln3115Ter (NM_001386175.1); c.4412-2979C>T (NM_001386186.2, NM_001386148.2); c.4214-2979C>T (NM_001354269.3); c.4292-2979C>T (NM_001386187.2); c.4253-2979C>T (NM_001386147.1); and 35 more; short protein forms Q3115*, Q3076*, Q3123*, Q1876*, Q2998*.
Identifiers: ClinVar variation 4721538 (VCV004721538.1).